The following is an entry in ClinVar:

ClinVar aggregate classification (germline): Uncertain significance (0 of 4 stars; one submission).

Conditions:
ADCY3-related disorder. Also called: ADCY3-related condition.

gnomAD v4.1: 11 of 1,613,968 alleles (0.00068%); highest among the groups gnomAD compares: African/African-American, 0.015%; no homozygotes.

Submission:

PreventionGenetics, part of Exact Sciences
Classification: Uncertain significance for ADCY3-related condition. Last evaluated: 2024-08-19. Review status: no assertion criteria provided. Collection method: clinical testing. Allele origin: germline.
Comment: The ADCY3 c.1846A>T variant is predicted to result in the amino acid substitution p.Met616Leu. To our knowledge, this variant has not been reported in the literature. This variant is reported in 0.024% of alleles in individuals of African descent in gnomAD. At this time, the clinical significance of this variant is uncertain due to the absence of conclusive functional and genetic evidence.

NM_004036.5(ADCY3):c.1846A>T (p.Met616Leu)

Gene: ADCY3 (adenylate cyclase 3; minus strand). Cytogenetic location: 2p23.3.
Variant type: single nucleotide variant.
Coding change: c.1846A>T on transcript NM_004036.5 (MANE Select); coding-DNA position 1846, A replaced by T.
Protein change: p.Met616Leu; replaces methionine 616 with leucine.
Molecular consequence: missense variant.
Genome position (GRCh38, 1-based): chr2:24,834,606, T>A on the plus strand (A>T on the coding strand, the complement: ADCY3 is on the minus strand). VCF-style: chr2-24834606-T-A. GRCh37 (hg19) VCF-style: chr2-25057475-T-A.
Other names: c.1846A>T, p.Met616Leu (NM_001320613.2, NM_001377129.1, NM_001377130.1 and 1 more transcripts); c.1912A>T, p.Met638Leu (NM_001377128.1); c.1123A>T, p.Met375Leu (NM_001377131.1); short protein forms M375L, M616L, M638L.
Identifiers: ClinVar variation 3351378 (VCV003351378.1).
Genomic context (GRCh38, chr2:24,834,606, plus strand): 5'-AGGCAGCCCCACTCTGCTTCTCCTTCTCCACCGAGTAGCGGGTTTCCATCTCGGGGTCCA[T>A]GAACCGCATGGACAAGAGGAAGGTGTTTCTCTTCTTTACTCTGCAGTGGGAACAAGCCCC-3'
Protein context (NP_004027.2, residues 606-626): RNTFLLSMRF[Met616Leu]DPEMETRYSV